The following is an entry in ClinVar:

NM_017617.5(NOTCH1):c.4467C>G (p.Asn1489Lys)

Gene: NOTCH1 (notch receptor 1; minus strand). Cytogenetic location: 9q34.3.
Variant type: single nucleotide variant.
Coding change: c.4467C>G on transcript NM_017617.5 (MANE Select); coding-DNA position 4467, C replaced by G.
Protein change: p.Asn1489Lys; replaces asparagine 1489 with lysine.
Molecular consequence: missense variant.
Genome position (GRCh38, 1-based): chr9:136,505,429, G>C on the plus strand (C>G on the coding strand, the complement: NOTCH1 is on the minus strand). VCF-style: chr9-136505429-G-C. GRCh37 (hg19) VCF-style: chr9-139399881-G-C.
Other names: short protein forms N1489K.
Identifiers: ClinVar variation 2003935 (VCV002003935.4), dbSNP rs773323801, ClinGen allele CA375647340.

ClinVar aggregate classification (germline): Uncertain significance (1 of 4 stars; one submission).

Conditions:
Adams-Oliver syndrome 5 (AOS5). Identifiers: Orphanet 974, MedGen C4014970, MONDO:0014459, OMIM 616028.

Submission:

Labcorp Genetics (formerly Invitae), Labcorp
Classification: Uncertain significance for Adams-Oliver syndrome 5. Last evaluated: 2022-06-09. Review status: criteria provided, single submitter. Criteria: Invitae Variant Classification Sherloc (09022015). Collection method: clinical testing. Allele origin: germline.
Comment: This sequence change replaces asparagine, which is neutral and polar, with lysine, which is basic and polar, at codon 1489 of the NOTCH1 protein (p.Asn1489Lys). This variant is not present in population databases (gnomAD no frequency). This variant has not been reported in the literature in individuals affected with NOTCH1-related conditions. Advanced modeling of protein sequence and biophysical properties (such as structural, functional, and spatial information, amino acid conservation, physicochemical variation, residue mobility, and thermodynamic stability) performed at Invitae indicates that this missense variant is not expected to disrupt NOTCH1 protein function. In summary, the available evidence is currently insufficient to determine the role of this variant in disease. Therefore, it has been classified as a Variant of Uncertain Significance.